The following is an entry in ClinVar:

NM_144997.7(FLCN):c.1300+2T>G

Gene: FLCN (folliculin; minus strand). Cytogenetic location: 17p11.2.
Variant type: single nucleotide variant.
Coding change: c.1300+2T>G on transcript NM_144997.7 (MANE Select); the canonical splice donor site of the intron after coding-DNA position 1300, T replaced by G.
Molecular consequence: splice donor variant.
Genome position (GRCh38, 1-based): chr17:17,216,378, A>C on the plus strand (T>G on the coding strand, the complement: FLCN is on the minus strand). VCF-style: chr17-17216378-A-C. GRCh37 (hg19) VCF-style: chr17-17119692-A-C.
Other names: c.1300+2T>G (NM_001353231.2, NM_001353230.2); c.1354+2T>G (NM_001353229.2).
Identifiers: ClinVar variation 419280 (VCV000419280.4), dbSNP rs1064793766, ClinGen allele CA16620338.
Genomic context (GRCh38, chr17:17,216,378, plus strand): 5'-GGGCCTGAGGCGTGGGGAACCTCAGCGCAGGGCATGGCCCCACAGCCCGCGGGGGCACGC[A>C]CCTGAGGAGAGCACGTGGGGGGGGATCTGCACGTGCGGGCTGAGCCCCAGGAAGTTGCAC-3'

ClinVar aggregate classification (germline): Pathogenic/Likely pathogenic. Review status: criteria provided, multiple submitters, no conflicts (2 of 4 stars). 2 submissions from 2 submitters: Pathogenic (1); Likely pathogenic (1). Last evaluated 2025-12-15.

Conditions:
Birt-Hogg-Dube syndrome. Also called: Birt Hogg Dubé syndrome. Identifiers: Orphanet 122, MedGen C0346010, MONDO:0800444.

Submissions (2):

Labcorp Genetics (formerly Invitae), Labcorp
Classification: Likely pathogenic for Birt-Hogg-Dube syndrome. Last evaluated: 2025-12-15. Review status: criteria provided, single submitter. Criteria: Invitae Variant Classification Sherloc (09022015). Collection method: clinical testing. Allele origin: germline.
Comment: This sequence change affects a donor splice site in intron 11 of the FLCN gene. It is expected to disrupt RNA splicing. Variants that disrupt the donor or acceptor splice site typically lead to a loss of protein function (PMID: 16199547), and loss-of-function variants in FLCN are known to be pathogenic (PMID: 15852235). This variant is not present in population databases (gnomAD no frequency). Disruption of this splice site has been observed in individual(s) with clinical features of Birt–Hogg–Dube ́ syndrome (PMID: 20618353, 37490463). ClinVar contains an entry for this variant (Variation ID: 419280). Algorithms developed to predict the effect of sequence changes on RNA splicing suggest that this variant may disrupt the consensus splice site. In summary, the currently available evidence indicates that the variant is pathogenic, but additional data are needed to prove that conclusively. Therefore, this variant has been classified as Likely Pathogenic.

GeneDx
Classification: Pathogenic. Last evaluated: 2015-06-19. Review status: criteria provided, single submitter. Criteria: GeneDx Variant Classification (06012015). Collection method: clinical testing. Allele origin: germline. Affected: yes.
Comment: The c.1300+2 T>G splice site variant in the FLCN gene destroys the canonical splicedonor site in intron 11. It is predicted to cause abnormal gene splicing, either leading to anabnormal message that is subject to nonsense-mediated mRNA decay, or to an abnormalprotein product if the message is used for protein translation. Although this variant hasnot been previously reported to our knowledge, we consider it to be pathogenic.

Literature cited by the submitters: PubMed 16199547 (cited by Labcorp Genetics (formerly Invitae), Labcorp); PubMed 15852235 (cited by Labcorp Genetics (formerly Invitae), Labcorp); PubMed 20618353 (cited by Labcorp Genetics (formerly Invitae), Labcorp); PubMed 37490463 (cited by Labcorp Genetics (formerly Invitae), Labcorp).